The following is an entry in ClinVar:

ClinVar aggregate classification (germline): Uncertain significance (1 of 4 stars; one submission).

Submission:

Ambry Genetics
Classification: Uncertain significance. Last evaluated: 2025-01-06. Review status: criteria provided, single submitter. Criteria: Ambry Variant Classification Scheme 2023. Collection method: clinical testing. Allele origin: germline.
Comment: The p.N39S variant (also known as c.116A>G), located in coding exon 2 of the KIF1B gene, results from an A to G substitution at nucleotide position 116. The asparagine at codon 39 is replaced by serine, an amino acid with highly similar properties. This amino acid position is conserved. In addition, this alteration is predicted to be tolerated by in silico analysis. Based on the available evidence, the clinical significance of this variant remains unclear.

NM_001365951.3(KIF1B):c.116A>G (p.Asn39Ser)

Gene: KIF1B (kinesin family member 1B; plus strand). Cytogenetic location: 1p36.22.
Variant type: single nucleotide variant.
Coding change: c.116A>G on transcript NM_001365951.3 (MANE Select); coding-DNA position 116, A replaced by G.
Protein change: p.Asn39Ser; replaces asparagine 39 with serine.
Molecular consequence: missense variant.
Genome position (GRCh38, 1-based): chr1:10,256,256, A>G. VCF-style: chr1-10256256-A-G. GRCh37 (hg19) VCF-style: chr1-10316314-A-G.
Other names: c.116A>G, p.Asn39Ser (NM_001365952.1, NM_001365953.1, NM_015074.3 and 1 more transcripts); short protein forms N39S.
Identifiers: ClinVar variation 3864013 (VCV003864013.1).